The following is an entry in ClinVar:

ClinVar aggregate classification (germline): Pathogenic. Review status: criteria provided, multiple submitters, no conflicts (2 of 4 stars). 2 submissions from 2 submitters: Pathogenic (2). Last evaluated 2025-08-25.

Conditions:
KRIT1-related disorder. Also called: KRIT1-related condition; KRIT1-related disorders.
Cerebral cavernous malformation (CCM). Also called: Cavernous Hemangioma of Brain; CAVERNOUS ANGIOMA, FAMILIAL; CAVERNOUS ANGIOMATOUS MALFORMATIONS; CEREBRAL CAPILLARY MALFORMATIONS; Cerebral cavernous hemangioma (type); Cerebral cavernous malformations. Identifiers: Orphanet 221061, MedGen C2919945, MONDO:0000820, OMIM 116860, HP:0033522.

Submissions (2):

Labcorp Genetics (formerly Invitae), Labcorp
Classification: Pathogenic for Cerebral cavernous malformation. Last evaluated: 2025-08-25. Review status: criteria provided, single submitter. Criteria: Invitae Variant Classification Sherloc (09022015). Collection method: clinical testing. Allele origin: germline.
Comment: This sequence change falls in intron 12 of the KRIT1 gene. It does not directly change the encoded amino acid sequence of the KRIT1 protein. RNA analysis indicates that this variant induces altered splicing and may result in an absent or altered protein product. This variant is not present in population databases (gnomAD no frequency). This variant has been observed in individual(s) with cerebral cavernous malformations (PMID: 12810002; internal data). ClinVar contains an entry for this variant (Variation ID: 590691). Studies have shown that this variant results in a new splice acceptor site, and produces a non-functional protein and/or introduces a premature termination codon (PMID: 12810002). For these reasons, this variant has been classified as Pathogenic.

PreventionGenetics, part of Exact Sciences
Classification: Pathogenic for KRIT1-related condition. Last evaluated: 2023-02-02. Review status: criteria provided, single submitter. Criteria: ACMG Guidelines, 2015. Collection method: clinical testing. Allele origin: germline.
Comment: The KRIT1 c.1147-13C>G variant is predicted to interfere with splicing. This variant is predicted to interfere with splicing based on splicing prediction programs (Alamut Visual Plus v.1.6.1). This variant was reported in an individual with cerebral cavernous malformations, and functional analysis showed that it causes disrupted splicing and early protein termination (reported as IVS11-13 C>G in Marini et al 2003. PubMed ID: 12810002). This variant has not been reported in a large population database, indicating this variant is rare. This variant is interpreted as pathogenic.

Literature cited by the submitters: PubMed 12810002 (cited by Labcorp Genetics (formerly Invitae), Labcorp).

NM_194454.3(KRIT1):c.1147-13C>G

Gene: KRIT1 (KRIT1 ankyrin repeat containing; minus strand). Cytogenetic location: 7q21.2.
Variant type: single nucleotide variant.
Coding change: c.1147-13C>G on transcript NM_194454.3 (MANE Select); 13 bases into the intron before coding-DNA position 1147, C replaced by G.
Molecular consequence: intron variant.
Genome position (GRCh38, 1-based): chr7:92,225,840, G>C on the plus strand (C>G on the coding strand, the complement: KRIT1 is on the minus strand). VCF-style: chr7-92225840-G-C. GRCh37 (hg19) VCF-style: chr7-91855154-G-C.
Other names: c.1147-13C>G (NM_001350672.1, NM_001350676.1, NM_001350673.1 and 26 more transcripts); c.1003-13C>G (NM_001350669.1, NM_001013406.2, NM_001350670.1); c.433-13C>G (NM_001350671.1).
Identifiers: ClinVar variation 590691 (VCV000590691.12), dbSNP rs779465895, ClinGen allele CA891862693.